The following is an entry in ClinVar:

NM_001792.5(CDH2):c.1037C>T (p.Thr346Met)

Gene: CDH2 (cadherin 2; minus strand). Cytogenetic location: 18q12.1.
Variant type: single nucleotide variant.
Coding change: c.1037C>T on transcript NM_001792.5 (MANE Select); coding-DNA position 1037, C replaced by T.
Protein change: p.Thr346Met; replaces threonine 346 with methionine.
Molecular consequence: missense variant.
Genome position (GRCh38, 1-based): chr18:27,993,621, G>A on the plus strand (C>T on the coding strand, the complement: CDH2 is on the minus strand). VCF-style: chr18-27993621-G-A. GRCh37 (hg19) VCF-style: chr18-25573585-G-A.
Other names: c.944C>T, p.Thr315Met (NM_001308176.2); short protein forms T346M, T315M.
Identifiers: ClinVar variation 1912817 (VCV001912817.5), dbSNP rs749639068, ClinGen allele CA8923526.

ClinVar aggregate classification (germline): Uncertain significance (1 of 4 stars; one submission).

Allele frequency attached by ClinVar (database versions not stated): gnomAD exomes 0.00001; gnomAD 0.00002; TOPMed 0.00002.
gnomAD v4.1: 11 of 1,611,476 alleles (0.00068%); highest among the groups gnomAD compares: African/African-American, 0.004%; no homozygotes.

Submission:

Labcorp Genetics (formerly Invitae), Labcorp
Classification: Uncertain significance. Last evaluated: 2025-02-07. Review status: criteria provided, single submitter. Criteria: Invitae Variant Classification Sherloc (09022015). Collection method: clinical testing. Allele origin: germline.
Comment: This sequence change replaces threonine, which is neutral and polar, with methionine, which is neutral and non-polar, at codon 346 of the CDH2 protein (p.Thr346Met). This variant is present in population databases (rs749639068, gnomAD 0.007%). This variant has not been reported in the literature in individuals affected with CDH2-related conditions. ClinVar contains an entry for this variant (Variation ID: 1912817). An algorithm developed to predict the effect of missense changes on protein structure and function (PolyPhen-2) suggests that this variant is likely to be disruptive. In summary, the available evidence is currently insufficient to determine the role of this variant in disease. Therefore, it has been classified as a Variant of Uncertain Significance.